The following is an entry in ClinVar:

ClinVar aggregate classification (germline): Uncertain significance (1 of 4 stars; one submission).

Conditions:
Spastic paraplegia. Identifiers: MedGen C0037772, HP:0001258.

Submission:

Labcorp Genetics (formerly Invitae), Labcorp
Classification: Uncertain significance for Spastic paraplegia. Last evaluated: 2023-10-22. Review status: criteria provided, single submitter. Criteria: Invitae Variant Classification Sherloc (09022015). Collection method: clinical testing. Allele origin: germline.
Comment: This sequence change replaces tyrosine, which is neutral and polar, with histidine, which is basic and polar, at codon 89 of the CYP7B1 protein (p.Tyr89His). This variant is not present in population databases (gnomAD no frequency). This variant has not been reported in the literature in individuals affected with CYP7B1-related conditions. Advanced modeling of protein sequence and biophysical properties (such as structural, functional, and spatial information, amino acid conservation, physicochemical variation, residue mobility, and thermodynamic stability) performed at Invitae indicates that this missense variant is expected to disrupt CYP7B1 protein function. In summary, the available evidence is currently insufficient to determine the role of this variant in disease. Therefore, it has been classified as a Variant of Uncertain Significance.

NM_004820.5(CYP7B1):c.265T>C (p.Tyr89His)

Gene: CYP7B1 (cytochrome P450 family 7 subfamily B member 1; minus strand). Cytogenetic location: 8q12.3.
Variant type: single nucleotide variant.
Coding change: c.265T>C on transcript NM_004820.5 (MANE Select); coding-DNA position 265, T replaced by C.
Protein change: p.Tyr89His; replaces tyrosine 89 with histidine.
Molecular consequence: missense variant.
Genome position (GRCh38, 1-based): chr8:64,616,276, A>G on the plus strand (T>C on the coding strand, the complement: CYP7B1 is on the minus strand). VCF-style: chr8-64616276-A-G. GRCh37 (hg19) VCF-style: chr8-65528833-A-G.
Other names: c.265T>C, p.Tyr89His (NM_001324112.2); short protein forms Y89H.
Identifiers: ClinVar variation 2807061 (VCV002807061.3), dbSNP rs1805446664, ClinGen allele CA371336553.